The following is an entry in ClinVar:

ClinVar aggregate classification (germline): Conflicting classifications of pathogenicity. Review status: criteria provided, conflicting classifications (1 of 4 stars). 5 submissions from 5 submitters: Uncertain significance (1); Likely benign (4). Last evaluated 2025-12-01.

Conditions:
Facial dysmorphism-immunodeficiency-livedo-short stature syndrome. Also called: Facial dysmorphism, immunodeficiency, livedo, and short stature; FILS syndrome. Identifiers: Orphanet 352712, MedGen C3554576, MONDO:0014058, OMIM 615139.
Intrauterine growth retardation, metaphyseal dysplasia, adrenal hypoplasia congenita, genital anomalies, and immunodeficiency. Also called: IMAGEI SYNDROME. Identifiers: MedGen C5193036, MONDO:0032684, OMIM 618336.
Colorectal cancer, susceptibility to, 12 (CRCS12). Also called: COLORECTAL CANCER, SUSCEPTIBILITY TO, ON CHROMOSOME 12q24. Identifiers: Orphanet 220460, MedGen C3554460, MONDO:0014038, OMIM 615083.
Hereditary cancer-predisposing syndrome. Also called: Neoplastic Syndromes, Hereditary; Tumor predisposition; Hereditary Cancer Syndrome; Hereditary neoplastic syndrome. Identifiers: Orphanet 140162, MedGen C0027672, MeSH D009386, MONDO:0015356.

Allele frequency attached by ClinVar (database versions not stated): gnomAD exomes below 0.00001 and 0.00001; ExAC 0.00001; gnomAD 0.00001; TOPMed 0.00001.
gnomAD v4.1: 8 of 1,614,160 alleles (0.0005%); highest among the groups gnomAD compares: African/African-American, 0.004%; no homozygotes.

Submissions (6):

Labcorp Genetics (formerly Invitae), Labcorp
Classification: Likely benign. Last evaluated: 2025-12-01. Review status: criteria provided, single submitter. Criteria: Invitae Variant Classification Sherloc (09022015). Collection method: clinical testing. Allele origin: germline.

Center for Genomic Medicine, Rigshospitalet, Copenhagen University Hospital
Classification: Likely benign. Last evaluated: 2025-03-04. Review status: criteria provided, single submitter. Criteria: ACMG Guidelines, 2015. Collection method: clinical testing. Allele origin: germline.

Department of Pathology and Laboratory Medicine, Sinai Health System
Classification: Uncertain significance for Colorectal cancer, susceptibility to, 12; Facial dysmorphism-immunodeficiency-livedo-short stature syndrome; Intrauterine growth retardation, metaphyseal dysplasia, adrenal hypoplasia congenita, genital anomalies, and immunodeficiency. Last evaluated: 2024-05-07. Review status: criteria provided, single submitter. Criteria: ACMG Guidelines, 2015. Collection method: clinical testing. Allele origin: germline. Affected: no.

Ambry Genetics
Classification: Likely benign for Hereditary cancer-predisposing syndrome. Last evaluated: 2018-07-20. Review status: criteria provided, single submitter. Criteria: Ambry Variant Classification Scheme 2023. Collection method: clinical testing. Allele origin: germline.

GeneDx
Classification: Likely benign. Last evaluated: 2017-12-05. Review status: criteria provided, single submitter. Criteria: GeneDx Variant Classification (06012015). Collection method: clinical testing. Allele origin: germline. Affected: yes.
Comment: This variant is considered likely benign or benign based on one or more of the following criteria: it is a conservative change, it occurs at a poorly conserved position in the protein, it is predicted to be benign by multiple in silico algorithms, and/or has population frequency not consistent with disease.

Dr. Peter K. Rogan Lab, Western University
No classification provided (evidence only). Condition: Malignant lymphoma, large B-cell, diffuse. Review status: no classification provided. Collection method: in vitro. Allele origin: not applicable. Functional consequence: retained intron. Not counted in ClinVar's aggregate classification.

NM_006231.4(POLE):c.2682C>T (p.Gly894=)

Gene: POLE (DNA polymerase epsilon, catalytic subunit; minus strand). Cytogenetic location: 12q24.33.
Variant type: single nucleotide variant.
Coding change: c.2682C>T on transcript NM_006231.4 (MANE Select); coding-DNA position 2682, C replaced by T.
Protein change: p.Gly894=; no amino-acid change (glycine 894 retained).
Molecular consequence: synonymous variant.
Genome position (GRCh38, 1-based): chr12:132,664,028, G>A on the plus strand (C>T on the coding strand, the complement: POLE is on the minus strand). VCF-style: chr12-132664028-G-A. GRCh37 (hg19) VCF-style: chr12-133240614-G-A.
Identifiers: ClinVar variation 473548 (VCV000473548.16), dbSNP rs757453683, ClinGen allele CA6893479.